The following is an entry in ClinVar:

ClinVar aggregate classification (germline): Uncertain significance (1 of 4 stars; one submission).

Conditions:
Charcot-Marie-Tooth disease recessive intermediate B. Also called: CHARCOT-MARIE-TOOTH NEUROPATHY, RECESSIVE INTERMEDIATE B. Identifiers: Orphanet 254334, MedGen C3150897, MONDO:0013338, OMIM 613641.
Leukoencephalopathy, progressive, infantile-onset, with or without deafness. Identifiers: MedGen C5542996, MONDO:0030893, OMIM 619147.
Deafness, congenital, and adult-onset progressive leukoencephalopathy. Identifiers: MedGen C5543087, MONDO:0030967, OMIM 619196.
Autosomal recessive nonsyndromic hearing loss 89. Also called: Deafness, autosomal recessive 89. Identifiers: Orphanet 90636, MedGen C3151351, MONDO:0013489, OMIM 613916.

Submission:

Juno Genomics, Hangzhou Juno Genomics, Inc
Classification: Uncertain significance for Charcot-Marie-Tooth disease recessive intermediate B; Autosomal recessive nonsyndromic hearing loss 89; Deafness, congenital, and adult-onset progressive leukoencephalopathy; Leukoencephalopathy, progressive, infantile-onset, with or without deafness. Review status: criteria provided, single submitter. Criteria: ACMG Guidelines, 2015. Collection method: clinical testing. Allele origin: germline. Affected: yes.
Comment: Absent from controls (or at extremely low frequency if recessive) in Genome Aggregation Database.;Multiple lines of computational evidence support a deleterious effect on the gene or gene product.

NM_005548.3(KARS1):c.1034C>G (p.Ala345Gly)

Gene: KARS1 (lysyl-tRNA synthetase 1; minus strand). Cytogenetic location: 16q23.1.
Variant type: single nucleotide variant.
Coding change: c.1034C>G on transcript NM_005548.3 (MANE Select); coding-DNA position 1034, C replaced by G.
Protein change: p.Ala345Gly; replaces alanine 345 with glycine.
Molecular consequence: missense variant.
Genome position (GRCh38, 1-based): chr16:75,631,737, G>C on the plus strand (C>G on the coding strand, the complement: KARS1 is on the minus strand). VCF-style: chr16-75631737-G-C. GRCh37 (hg19) VCF-style: chr16-75665635-G-C.
Other names: c.1118C>G, p.Ala373Gly (NM_001130089.2); c.566C>G, p.Ala189Gly (NM_001378148.1); short protein forms A189G, A345G, A373G.
Identifiers: ClinVar variation 5018735 (VCV005018735.1).